The following is an entry in ClinVar:

ClinVar aggregate classification (germline): Uncertain significance (1 of 4 stars; one submission).

gnomAD v4.1: 1 of 1,614,134 alleles (0.000062%); highest among the groups gnomAD compares: Middle Eastern, 0.016%; no homozygotes.

Submission:

Labcorp Genetics (formerly Invitae), Labcorp
Classification: Uncertain significance. Last evaluated: 2025-07-07. Review status: criteria provided, single submitter. Criteria: Invitae Variant Classification Sherloc (09022015). Collection method: clinical testing. Allele origin: germline.
Comment: This sequence change replaces aspartic acid, which is acidic and polar, with glutamic acid, which is acidic and polar, at codon 4640 of the LRP2 protein (p.Asp4640Glu). This variant is not present in population databases (gnomAD no frequency). This variant has not been reported in the literature in individuals affected with LRP2-related conditions. Invitae Evidence Modeling of protein sequence and biophysical properties (such as structural, functional, and spatial information, amino acid conservation, physicochemical variation, residue mobility, and thermodynamic stability) indicates that this missense variant is not expected to disrupt LRP2 protein function with a negative predictive value of 95%. In summary, the available evidence is currently insufficient to determine the role of this variant in disease. Therefore, it has been classified as a Variant of Uncertain Significance.

NM_004525.3(LRP2):c.13920C>A (p.Asp4640Glu)

Gene: LRP2 (LDL receptor related protein 2; minus strand). Cytogenetic location: 2q31.1.
Variant type: single nucleotide variant.
Coding change: c.13920C>A on transcript NM_004525.3 (MANE Select); coding-DNA position 13920, C replaced by A.
Protein change: p.Asp4640Glu; replaces aspartic acid 4640 with glutamic acid.
Molecular consequence: missense variant.
Genome position (GRCh38, 1-based): chr2:169,128,711, G>T on the plus strand (C>A on the coding strand, the complement: LRP2 is on the minus strand). VCF-style: chr2-169128711-G-T. GRCh37 (hg19) VCF-style: chr2-169985221-G-T.
Other names: short protein forms D4640E.
Identifiers: ClinVar variation 4704970 (VCV004704970.1).